The following is an entry in ClinVar:

NM_002067.5(GNA11):c.889+4C>T

Gene: GNA11 (G protein subunit alpha 11; plus strand). Cytogenetic location: 19p13.3.
Variant type: single nucleotide variant.
Coding change: c.889+4C>T on transcript NM_002067.5 (MANE Select); 4 bases into the intron after coding-DNA position 889, C replaced by T.
Molecular consequence: intron variant.
Genome position (GRCh38, 1-based): chr19:3,119,363, C>T. VCF-style: chr19-3119363-C-T. GRCh37 (hg19) VCF-style: chr19-3119361-C-T.
Identifiers: ClinVar variation 1046037 (VCV001046037.7), dbSNP rs375701661, ClinGen allele CA9075035.

ClinVar aggregate classification (germline): Uncertain significance. Review status: criteria provided, multiple submitters, no conflicts (2 of 4 stars). 2 submissions from 2 submitters: Uncertain significance (2). Last evaluated 2023-01-17.

Conditions:
Familial hypocalciuric hypercalcemia 2. Also called: Hypocalciuric hypercalcemia, type II; FAMILIAL BENIGN HYPERCALCEMIA, TYPE II; Hypocalciuric hypercalcemia, familial, type II. Identifiers: Orphanet 101049, Orphanet 405, MedGen C1840347, MONDO:0007792, OMIM 145981.
Autosomal dominant hypocalcemia 2. Identifiers: Orphanet 2238, Orphanet 428, MedGen C3809243, MONDO:0014146, OMIM 615361.

Allele frequency attached by ClinVar (database versions not stated): gnomAD exomes 0.00002 and 0.00004; gnomAD 0.00003 and 0.00004; ExAC 0.00004; TOPMed 0.00007; ESP Exome Variant Server 0.00008.
gnomAD v4.1: 57 of 1,612,334 alleles (0.0035%); highest among the groups gnomAD compares: East Asian, 0.0089%; no homozygotes.

Submissions (2):

Labcorp Genetics (formerly Invitae), Labcorp
Classification: Uncertain significance. Last evaluated: 2023-01-17. Review status: criteria provided, single submitter. Criteria: Invitae Variant Classification Sherloc (09022015). Collection method: clinical testing. Allele origin: germline.
Comment: In summary, the available evidence is currently insufficient to determine the role of this variant in disease. Therefore, it has been classified as a Variant of Uncertain Significance. Variants that disrupt the consensus splice site are a relatively common cause of aberrant splicing (PMID: 17576681, 9536098). Algorithms developed to predict the effect of sequence changes on RNA splicing suggest that this variant is not likely to affect RNA splicing. ClinVar contains an entry for this variant (Variation ID: 1046037). This variant has not been reported in the literature in individuals affected with GNA11-related conditions. This variant is present in population databases (rs375701661, gnomAD 0.01%). This sequence change falls in intron 6 of the GNA11 gene. It does not directly change the encoded amino acid sequence of the GNA11 protein. It affects a nucleotide within the consensus splice site.

Fulgent Genetics
Classification: Uncertain significance for Familial hypocalciuric hypercalcemia 2; Autosomal dominant hypocalcemia 2. Last evaluated: 2022-02-17. Review status: criteria provided, single submitter. Criteria: ACMG Guidelines, 2015. Collection method: clinical testing. Allele origin: unknown.

Literature cited by the submitters: PubMed 17576681 (cited by Labcorp Genetics (formerly Invitae), Labcorp); PubMed 9536098 (cited by Labcorp Genetics (formerly Invitae), Labcorp).